The following is an entry in ClinVar:

NM_181712.5(KANK4):c.437A>T (p.Glu146Val)

Gene: KANK4 (KN motif and ankyrin repeat domains 4; minus strand). Cytogenetic location: 1p31.3.
Variant type: single nucleotide variant.
Coding change: c.437A>T on transcript NM_181712.5 (MANE Select); coding-DNA position 437, A replaced by T.
Protein change: p.Glu146Val; replaces glutamic acid 146 with valine.
Molecular consequence: missense variant. On other transcripts: intron variant (1).
Genome position (GRCh38, 1-based): chr1:62,274,667, T>A on the plus strand (A>T on the coding strand, the complement: KANK4 is on the minus strand). VCF-style: chr1-62274667-T-A. GRCh37 (hg19) VCF-style: chr1-62740339-T-A.
Other names: c.17-3078A>T (NM_001320269.2); c.437A>T (NM_181712.4); short protein forms E146V.
Identifiers: ClinVar variation 1965911 (VCV001965911.6), dbSNP rs746841820, ClinGen allele CA340623442.

ClinVar aggregate classification (germline): Uncertain significance. Review status: criteria provided, multiple submitters, no conflicts (2 of 4 stars). 2 submissions from 2 submitters: Uncertain significance (2). Last evaluated 2025-08-02.

Submissions (2):

Ambry Genetics
Classification: Uncertain significance. Last evaluated: 2025-08-02. Review status: criteria provided, single submitter. Criteria: Ambry Variant Classification Scheme 2023. Collection method: clinical testing. Allele origin: germline.

Labcorp Genetics (formerly Invitae), Labcorp
Classification: Uncertain significance. Last evaluated: 2022-05-07. Review status: criteria provided, single submitter. Criteria: Invitae Variant Classification Sherloc (09022015). Collection method: clinical testing. Allele origin: germline.
Comment: This sequence change replaces glutamic acid, which is acidic and polar, with valine, which is neutral and non-polar, at codon 146 of the KANK4 protein (p.Glu146Val). This variant is not present in population databases (gnomAD no frequency). In summary, the available evidence is currently insufficient to determine the role of this variant in disease. Therefore, it has been classified as a Variant of Uncertain Significance. Algorithms developed to predict the effect of missense changes on protein structure and function (SIFT, PolyPhen-2, Align-GVGD) all suggest that this variant is likely to be tolerated. This variant has not been reported in the literature in individuals affected with KANK4-related conditions.